The following is an entry in ClinVar:

NM_006846.4(SPINK5):c.2264A>G (p.Asn755Ser)

Gene: SPINK5 (serine peptidase inhibitor Kazal type 5; plus strand). Cytogenetic location: 5q32.
Variant type: single nucleotide variant.
Coding change: c.2264A>G on transcript NM_006846.4 (MANE Select); coding-DNA position 2264, A replaced by G.
Protein change: p.Asn755Ser; replaces asparagine 755 with serine.
Molecular consequence: missense variant.
Genome position (GRCh38, 1-based): chr5:148,119,009, A>G. VCF-style: chr5-148119009-A-G. GRCh37 (hg19) VCF-style: chr5-147498572-A-G.
Other names: c.2264A>G, p.Asn755Ser (NM_001127698.2, NM_001127699.2); short protein forms N755S.
Identifiers: ClinVar variation 1303910 (VCV001303910.2), dbSNP rs569828389, ClinGen allele CA128935912.

ClinVar aggregate classification (germline): Uncertain significance (1 of 4 stars; one submission).

Allele frequency attached by ClinVar (database versions not stated): gnomAD exomes below 0.00001 and 0.00001; TOPMed below 0.00001; gnomAD 0.00001.
gnomAD v4.1: 4 of 1,613,962 alleles (0.00025%); highest among the groups gnomAD compares: Non-Finnish European, 0.00034%; no homozygotes.

Submission:

GeneDx
Classification: Uncertain significance. Last evaluated: 2019-11-04. Review status: criteria provided, single submitter. Criteria: GeneDx Variant Classification Process June 2021. Collection method: clinical testing. Allele origin: germline. Affected: yes.
Comment: Not observed at a significant frequency in large population cohorts (Lek et al., 2016); In silico analysis, which includes splice predictors and evolutionary conservation, supports a deleterious effect; Has not been previously published as pathogenic or benign to our knowledge